The following is an entry in ClinVar:

NM_001377265.1(MAPT):c.220+2437_220+2438insTTTTTTTTTTTTTTTTTTTTNNNNNNNNNNTGACCTCGTGATCCGCCCGCCTCGGCCTCCCAAAGTGCTGGGATTACAGGCGTGAGCCACCGCGCCCGGCCAAATCTCGGTGGTTTCT

Gene: MAPT (microtubule associated protein tau). Cytogenetic location: 17q21.31.
Variant type: Insertion.
Coding change: c.220+2437_220+2438insTTTTTTTTTTTTTTTTTTTTNNNNNNNNNNTGACCTCGTGATCCGCCCGCCTCGGCCTCCCAAAGTGCTGGGATTACAGGCGTGAGCCACCGCGCCCGGCCAAATCTCGGTGGTTTCT on transcript NM_001377265.1 (MANE Select); bases 2437 to 2438 of the intron after coding-DNA position 220, TTTTTTTTTTTTTTTTTTTTNNNNNNNNNNTGACCTCGTGATCCGCCCGCCTCGGCCTCCCAAAGTGCTGGGATTACAGGCGTGAGCCACCGCGCCCGGCCAAATCTCGGTGGTTTCT inserted.
Molecular consequence: intron variant.
Genome position: GRCh38: chr17:45,974,382-45,974,383. GRCh37 (hg19): chr17:44,051,748-44,051,749.
Other names: c.134-3993_134-3992insTTTTTTTTTTTTTTTTTTTTNNNNNNNNNNTGACCTCGTGATCCGCCCGCCTCGGCCTCCCAAAGTGCTGGGATTACAGGCGTGAGCCACCGCGCCCGGCCAAATCTCGGTGGTTTCT (NM_001377268.1, NM_016834.5, NM_016841.5); c.221-3_221-2insTTTTTTTTTTTTTTTTTTTTNNNNNNNNNNTGACCTCGTGATCCGCCCGCCTCGGCCTCCCAAAGTGCTGGGATTACAGGCGTGAGCCACCGCGCCCGGCCAAATCTCGGTGGTTTCT (NM_001123066.4, NM_016835.5, NM_005910.6 and 1 more transcripts); c.220+2437_220+2438insTTTTTTTTTTTTTTTTTTTTNNNNNNNNNNTGACCTCGTGATCCGCCCGCCTCGGCCTCCCAAAGTGCTGGGATTACAGGCGTGAGCCACCGCGCCCGGCCAAATCTCGGTGGTTTCT (NM_001377266.1, NM_001123067.4, NM_001203251.2 and 1 more transcripts).
Identifiers: ClinVar variation 3650371 (VCV003650371.2).

ClinVar aggregate classification (germline): Uncertain significance (1 of 4 stars; one submission).

Conditions:
Frontotemporal dementia (FTD1). Also called: FRONTOTEMPORAL DEMENTIA WITH PARKINSONISM; FRONTOTEMPORAL LOBE DEMENTIA; MULTIPLE SYSTEM TAUOPATHY WITH PRESENILE DEMENTIA; Frontotemporal lobe dementia (FLDEM); WILHELMSEN-LYNCH DISEASE; Frontotemporal Dementia with Parkinsonism-17 (FTDP-17). Identifiers: Orphanet 282, MedGen C0338451, MONDO:0017276, OMIM 600274, HP:0002145.

Submission:

Labcorp Genetics (formerly Invitae), Labcorp
Classification: Uncertain significance for Frontotemporal dementia. Last evaluated: 2024-04-18. Review status: criteria provided, single submitter. Criteria: Invitae Variant Classification Sherloc (09022015). Collection method: clinical testing. Allele origin: germline.
Comment: This sequence change falls in intron 3 of the MAPT gene. It does not directly change the encoded amino acid sequence of the MAPT protein. It affects a nucleotide within the consensus splice site. This variant is not present in population databases (gnomAD no frequency). This variant has not been reported in the literature in individuals affected with MAPT-related conditions. Variants that disrupt the consensus splice site are a relatively common cause of aberrant splicing (PMID: 17576681, 9536098). In summary, the available evidence is currently insufficient to determine the role of this variant in disease. Therefore, it has been classified as a Variant of Uncertain Significance.

Literature cited by the submitters: PubMed 17576681; PubMed 9536098.